The following is an entry in ClinVar:

NM_000135.4(FANCA):c.4299C>G (p.Ser1433Arg)

Genes: FANCA (FA complementation group A; minus strand), ZNF276 (zinc finger protein 276; plus strand). Cytogenetic location: 16q24.3.
Variant type: single nucleotide variant.
Coding change: c.4299C>G on transcript NM_000135.4 (MANE Select); coding-DNA position 4299, C replaced by G.
Protein change: p.Ser1433Arg; replaces serine 1433 with arginine.
Molecular consequence: missense variant. On other transcripts: 3 prime UTR variant (3), non-coding transcript variant (4).
Genome position (GRCh38, 1-based): chr16:89,738,670, G>C on the plus strand (C>G on the coding strand, the complement: FANCA is on the minus strand). VCF-style: chr16-89738670-G-C. GRCh37 (hg19) VCF-style: chr16-89805078-G-C.
Other names: c.*28C>G (NM_001286167.3); c.*424G>C (NM_001113525.2, NM_152287.4); short protein forms S1433R.
Identifiers: ClinVar variation 858254 (VCV000858254.9), dbSNP rs568293451, ClinGen allele CA8250585.

ClinVar aggregate classification (germline): Uncertain significance. Review status: criteria provided, multiple submitters, no conflicts (2 of 4 stars). 2 submissions from 2 submitters: Uncertain significance (2). Last evaluated 2025-08-28.

Conditions:
Fanconi anemia (FA). Also called: Fanconi's anemia. Identifiers: Orphanet 84, MedGen C0015625, MeSH D005199, MONDO:0019391.
Inborn genetic diseases. Identifiers: MedGen C0950123, MeSH D030342.

gnomAD v4.1: 17 of 1,613,744 alleles (0.0011%); highest among the groups gnomAD compares: Non-Finnish European, 0.00017%; no homozygotes.

Submissions (2):

Ambry Genetics
Classification: Uncertain significance for Inborn genetic diseases. Last evaluated: 2025-08-28. Review status: criteria provided, single submitter. Criteria: Ambry Variant Classification Scheme 2023. Collection method: clinical testing. Allele origin: germline.
Comment: The p.S1433R variant (also known as c.4299C>G), located in coding exon 43 of the FANCA gene, results from a C to G substitution at nucleotide position 4299. The serine at codon 1433 is replaced by arginine, an amino acid with dissimilar properties. This amino acid position is conserved. In addition, this alteration is predicted to be tolerated by in silico analysis. Based on the available evidence, the clinical significance of this variant remains unclear.

Labcorp Genetics (formerly Invitae), Labcorp
Classification: Uncertain significance for Fanconi anemia. Last evaluated: 2025-03-31. Review status: criteria provided, single submitter. Criteria: Invitae Variant Classification Sherloc (09022015). Collection method: clinical testing. Allele origin: germline.
Comment: This sequence change replaces serine, which is neutral and polar, with arginine, which is basic and polar, at codon 1433 of the FANCA protein (p.Ser1433Arg). This variant is present in population databases (rs568293451, gnomAD 0.009%). This variant has not been reported in the literature in individuals affected with FANCA-related conditions. ClinVar contains an entry for this variant (Variation ID: 858254). Invitae Evidence Modeling of protein sequence and biophysical properties (such as structural, functional, and spatial information, amino acid conservation, physicochemical variation, residue mobility, and thermodynamic stability) indicates that this missense variant is not expected to disrupt FANCA protein function with a negative predictive value of 95%. In summary, the available evidence is currently insufficient to determine the role of this variant in disease. Therefore, it has been classified as a Variant of Uncertain Significance.